The following is an entry in ClinVar:

NM_022051.3(EGLN1):c.143G>C (p.Arg48Pro)

Gene: EGLN1 (egl-9 family hypoxia inducible factor 1; minus strand). Cytogenetic location: 1q42.2.
Variant type: single nucleotide variant.
Coding change: c.143G>C on transcript NM_022051.3 (MANE Select); coding-DNA position 143, G replaced by C.
Protein change: p.Arg48Pro; replaces arginine 48 with proline.
Molecular consequence: missense variant.
Genome position (GRCh38, 1-based): chr1:231,421,746, C>G on the plus strand (G>C on the coding strand, the complement: EGLN1 is on the minus strand). VCF-style: chr1-231421746-C-G. GRCh37 (hg19) VCF-style: chr1-231557492-C-G.
Other names: c.143G>C, p.Arg48Pro (NM_001377260.1, NM_001377261.1); short protein forms R48P.
Identifiers: ClinVar variation 3507237 (VCV003507237.1).
Genomic context (GRCh38, chr1:231,421,746, plus strand): 5'-CCGTGGCCGAGGGCGCCCTCGCTGCCCTGGCACACGAGCTTGTGCTTCTTCCAGTCCTGA[C>G]GCTGGTGCTCCTTGCAGCAGTAGAAGGAGCTGCGGCAGCGGCTGCAGCGCAGCAGGTTCT-3'
Protein context (NP_071334.1, residues 38-58): SSFYCCKEHQ[Arg48Pro]QDWKKHKLVC

ClinVar aggregate classification (germline): Uncertain significance (1 of 4 stars; one submission).

Submission:

Ambry Genetics
Classification: Uncertain significance. Last evaluated: 2024-10-25. Review status: criteria provided, single submitter. Criteria: Ambry Variant Classification Scheme 2023. Collection method: clinical testing. Allele origin: germline.
Comment: The p.R48P variant (also known as c.143G>C), located in coding exon 1 of the EGLN1 gene, results from a G to C substitution at nucleotide position 143. The arginine at codon 48 is replaced by proline, an amino acid with dissimilar properties. This amino acid position is conserved. In addition, the in silico prediction for this alteration is inconclusive. Based on the available evidence, the clinical significance of this variant remains unclear.